The following is an entry in ClinVar:

ClinVar aggregate classification (germline): Uncertain significance. Review status: criteria provided, multiple submitters, no conflicts (2 of 4 stars). 4 submissions from 4 submitters: Uncertain significance (3). 1 of the submissions does not count toward it. Last evaluated 2025-06-29.

Conditions:
Methylmalonic aciduria due to complete methylmalonyl-CoA mutase deficiency.
Methylmalonic aciduria due to methylmalonyl-CoA mutase deficiency (MAMM). Also called: Methylmalonic aciduria, mut type. Identifiers: Orphanet 27, MedGen C1855114, MONDO:0009612, OMIM 251000.

Allele frequency attached by ClinVar (database versions not stated): gnomAD exomes 0.00001 and 0.00004; ExAC 0.00003; gnomAD 0.00008 and 0.00009; TOPMed 0.00015.
gnomAD v4.1: 21 of 1,613,952 alleles (0.0013%); highest among the groups gnomAD compares: African/African-American, 0.021%; no homozygotes.

Submissions (4):

Ambry Genetics
Classification: Uncertain significance. Last evaluated: 2025-06-29. Review status: criteria provided, single submitter. Criteria: Ambry Variant Classification Scheme 2023. Collection method: clinical testing. Allele origin: germline.

Labcorp Genetics (formerly Invitae), Labcorp
Classification: Uncertain significance. Last evaluated: 2022-07-11. Review status: criteria provided, single submitter. Criteria: Invitae Variant Classification Sherloc (09022015). Collection method: clinical testing. Allele origin: germline.
Comment: This sequence change replaces aspartic acid, which is acidic and polar, with alanine, which is neutral and non-polar, at codon 696 of the MUT protein (p.Asp696Ala). This variant is present in population databases (rs759407117, gnomAD 0.03%). This variant has not been reported in the literature in individuals affected with MUT-related conditions. ClinVar contains an entry for this variant (Variation ID: 999265). Algorithms developed to predict the effect of missense changes on protein structure and function are either unavailable or do not agree on the potential impact of this missense change (SIFT: "Deleterious"; PolyPhen-2: "Benign"; Align-GVGD: "Class C65"). In summary, the available evidence is currently insufficient to determine the role of this variant in disease. Therefore, it has been classified as a Variant of Uncertain Significance.

Fulgent Genetics
Classification: Uncertain significance for Methylmalonic aciduria due to methylmalonyl-CoA mutase deficiency. Last evaluated: 2022-04-11. Review status: criteria provided, single submitter. Criteria: ACMG Guidelines, 2015. Collection method: clinical testing. Allele origin: unknown.

Natera, Inc.
Classification: Uncertain significance for Methylmalonic aciduria due to complete methylmalonyl-CoA mutase deficiency. Last evaluated: 2020-01-17. Review status: no assertion criteria provided. Collection method: clinical testing. Allele origin: germline. Not counted in ClinVar's aggregate classification.

NM_000255.4(MMUT):c.2087A>C (p.Asp696Ala)

Gene: MMUT (methylmalonyl-CoA mutase; minus strand). Cytogenetic location: 6p12.3.
Variant type: single nucleotide variant.
Coding change: c.2087A>C on transcript NM_000255.4 (MANE Select); coding-DNA position 2087, A replaced by C.
Protein change: p.Asp696Ala; replaces aspartic acid 696 with alanine.
Molecular consequence: missense variant.
Genome position (GRCh38, 1-based): chr6:49,435,493, T>G on the plus strand (A>C on the coding strand, the complement: MMUT is on the minus strand). VCF-style: chr6-49435493-T-G. GRCh37 (hg19) VCF-style: chr6-49403206-T-G.
Other names: c.2087A>C (NM_000255.3); short protein forms D696A.
Identifiers: ClinVar variation 999265 (VCV000999265.7), dbSNP rs759407117, ClinGen allele CA3846666.